The following is an entry in ClinVar:

NM_025207.5(FLAD1):c.373-699A>G

Gene: FLAD1 (flavin adenine dinucleotide synthetase 1; plus strand). Cytogenetic location: 1q21.3.
Variant type: single nucleotide variant.
Coding change: c.373-699A>G on transcript NM_025207.5 (MANE Select); 699 bases into the intron before coding-DNA position 373, A replaced by G.
Molecular consequence: intron variant.
Genome position (GRCh38, 1-based): chr1:154,987,406, A>G. VCF-style: chr1-154987406-A-G. GRCh37 (hg19) VCF-style: chr1-154959882-A-G.
Other names: c.82-699A>G (NM_001184891.2, NM_201398.3); c.-564-60A>G (NM_001184892.2).
Identifiers: ClinVar variation 676268 (VCV000676268.2), dbSNP rs7525580, ClinGen allele CA16066968.

ClinVar aggregate classification (germline): Benign. Review status: criteria provided, multiple submitters, no conflicts (2 of 4 stars). 2 submissions from 2 submitters: Benign (2). Last evaluated 2018-06-16.

Allele frequency attached by ClinVar (database versions not stated): gnomAD exomes 0.02052; gnomAD 0.12689 and 0.13333; 1000 Genomes Project 0.12800; 1000 Genomes Project 30x 0.13320; TOPMed 0.13770.

Submissions (2):

GeneDx
Classification: Benign. Last evaluated: 2018-06-16. Review status: criteria provided, single submitter. Criteria: GeneDx Variant Classification (06012015). Collection method: clinical testing. Allele origin: germline. Affected: yes.
Comment: This variant is considered likely benign or benign based on one or more of the following criteria: it is a conservative change, it occurs at a poorly conserved position in the protein, it is predicted to be benign by multiple in silico algorithms, and/or has population frequency not consistent with disease.

Breakthrough Genomics
Classification: Benign. Review status: criteria provided, single submitter. Criteria: ACMG Guidelines, 2015. Collection method: not provided. Allele origin: germline. Inheritance: Autosomal recessive inheritance. Affected: yes.